The following is an entry in ClinVar:

ClinVar aggregate classification (germline): Uncertain significance (1 of 4 stars; one submission).

Submission:

Labcorp Genetics (formerly Invitae), Labcorp
Classification: Uncertain significance. Last evaluated: 2023-04-06. Review status: criteria provided, single submitter. Criteria: Invitae Variant Classification Sherloc (09022015). Collection method: clinical testing. Allele origin: unknown.
Comment: In summary, the available evidence is currently insufficient to determine the role of this variant in disease. Therefore, it has been classified as a Variant of Uncertain Significance. This variant has not been reported in the literature in individuals affected with REST-related conditions. A copy number gain of the genomic region encompassing the full coding sequence of the REST gene has been identified. The boundaries of this event are unknown as they extend beyond the assayed region for this gene and therefore may encompass additional genes. As the precise location of this event is unknown, it may be in tandem or it may be located elsewhere in the genome.

NC_000004.11:g.(?_57795997)_(57798318_?)dup

Gene: REST (RE1 silencing transcription factor; plus strand). Cytogenetic location: 4q12.
Variant type: Duplication.
Identifiers: ClinVar variation 3246739 (VCV003246739.1).